The following is an entry in ClinVar:

ClinVar aggregate classification (germline): Uncertain significance (1 of 4 stars; one submission).

gnomAD v4.1: 2 of 1,613,972 alleles (0.00012%); highest among the groups gnomAD compares: Non-Finnish European, 0.00017%; no homozygotes.

Submission:

Labcorp Genetics (formerly Invitae), Labcorp
Classification: Uncertain significance. Last evaluated: 2024-11-03. Review status: criteria provided, single submitter. Criteria: Invitae Variant Classification Sherloc (09022015). Collection method: clinical testing. Allele origin: germline.
Comment: This sequence change replaces proline, which is neutral and non-polar, with threonine, which is neutral and polar, at codon 954 of the FAT4 protein (p.Pro954Thr). This variant is not present in population databases (gnomAD no frequency). This variant has not been reported in the literature in individuals affected with FAT4-related conditions. Invitae Evidence Modeling of protein sequence and biophysical properties (such as structural, functional, and spatial information, amino acid conservation, physicochemical variation, residue mobility, and thermodynamic stability) indicates that this missense variant is not expected to disrupt FAT4 protein function with a negative predictive value of 80%. In summary, the available evidence is currently insufficient to determine the role of this variant in disease. Therefore, it has been classified as a Variant of Uncertain Significance.

NM_001291303.3(FAT4):c.2860C>A (p.Pro954Thr)

Gene: FAT4 (FAT atypical cadherin 4; plus strand). Cytogenetic location: 4q28.1.
Variant type: single nucleotide variant.
Coding change: c.2860C>A on transcript NM_001291303.3 (MANE Select); coding-DNA position 2860, C replaced by A.
Protein change: p.Pro954Thr; replaces proline 954 with threonine.
Molecular consequence: missense variant.
Genome position (GRCh38, 1-based): chr4:125,319,271, C>A. VCF-style: chr4-125319271-C-A. GRCh37 (hg19) VCF-style: chr4-126240426-C-A.
Other names: c.2860C>A, p.Pro954Thr (NM_001291285.3, NM_024582.6); short protein forms P954T.
Identifiers: ClinVar variation 3618942 (VCV003618942.2).